The following is an entry in ClinVar:

ClinVar aggregate classification (germline): Benign/Likely benign. Review status: criteria provided, multiple submitters, no conflicts (2 of 4 stars). 2 submissions from 2 submitters: Benign (1); Likely benign (1). Last evaluated 2026-01-28.

Conditions:
Deficiency of ferroxidase (ACEP). Also called: Ceruloplasmin deficiency; Familial apoceruloplasmin deficiency; Hereditary ceruloplasmin deficiency; Aceruloplasminemia; Deficiency of ceruloplasmin; NEURODEGENERATION WITH BRAIN IRON ACCUMULATION 10. Identifiers: Orphanet 48818, MedGen C0878682, MONDO:0011426, OMIM 604290, HP:0025498.

Allele frequency attached by ClinVar (database versions not stated): ESP Exome Variant Server 0.00031; gnomAD exomes 0.00002; ExAC 0.00003; 1000 Genomes Project 30x 0.00016; 1000 Genomes Project 0.00020; gnomAD 0.00025 and 0.00026; TOPMed 0.00027.
gnomAD v4.1: 65 of 1,613,972 alleles (0.004%); highest among the groups gnomAD compares: African/African-American, 0.083%; no homozygotes.

Submissions (2):

Labcorp Genetics (formerly Invitae), Labcorp
Classification: Benign for Deficiency of ferroxidase. Last evaluated: 2026-01-28. Review status: criteria provided, single submitter. Criteria: Invitae Variant Classification Sherloc (09022015). Collection method: clinical testing. Allele origin: germline.

Mayo Clinic Laboratories, Mayo Clinic
Classification: Likely benign. Last evaluated: 2025-01-06. Review status: criteria provided, single submitter. Criteria: ACMG Guidelines, 2015. Collection method: clinical testing. Allele origin: germline. Observed: 1 variant allele.
Comment: BP4, BP7

NM_000096.4(CP):c.981G>A (p.Val327=)

Gene: CP (ceruloplasmin; minus strand). Cytogenetic location: 3q25.1.
Variant type: single nucleotide variant.
Coding change: c.981G>A on transcript NM_000096.4 (MANE Select); coding-DNA position 981, G replaced by A.
Protein change: p.Val327=; no amino-acid change (valine 327 retained).
Molecular consequence: synonymous variant. On other transcripts: non-coding transcript variant (1).
Genome position (GRCh38, 1-based): chr3:149,207,418, C>T on the plus strand (G>A on the coding strand, the complement: CP is on the minus strand). VCF-style: chr3-149207418-C-T. GRCh37 (hg19) VCF-style: chr3-148925205-C-T.
Other names: p.Val327=.
Identifiers: ClinVar variation 1436811 (VCV001436811.7), dbSNP rs144467178, ClinGen allele CA2661184.